The following is an entry in ClinVar:

ClinVar aggregate classification (germline): Uncertain significance. Review status: criteria provided, multiple submitters, no conflicts (2 of 4 stars). 2 submissions from 2 submitters: Uncertain significance (2). Last evaluated 2024-10-22.

Conditions:
Cardiovascular phenotype. Identifiers: MedGen CN230736.
Long QT syndrome (LQTS). Identifiers: MedGen C0023976, MeSH D008133, MONDO:0002442. Disease mechanism: loss of function. Inheritance: Various modes of inheritance.

Allele frequency attached by ClinVar (database versions not stated): gnomAD exomes below 0.00001; gnomAD 0.00001.
gnomAD v4.1: 8 of 1,612,744 alleles (0.0005%); highest among the groups gnomAD compares: Admixed American, 0.0033%; no homozygotes.

Submissions (2):

Labcorp Genetics (formerly Invitae), Labcorp
Classification: Uncertain significance for Long QT syndrome. Last evaluated: 2024-10-22. Review status: criteria provided, single submitter. Criteria: Invitae Variant Classification Sherloc (09022015). Collection method: clinical testing. Allele origin: germline.
Comment: This sequence change affects codon 370 of the SNTA1 mRNA. It is a 'silent' change, meaning that it does not change the encoded amino acid sequence of the SNTA1 protein. This variant is present in population databases (no rsID available, gnomAD 0.003%). This variant has not been reported in the literature in individuals affected with SNTA1-related conditions. Algorithms developed to predict the effect of sequence changes on RNA splicing suggest that this variant may disrupt the consensus splice site. In summary, the available evidence is currently insufficient to determine the role of this variant in disease. Therefore, it has been classified as a Variant of Uncertain Significance.

Ambry Genetics
Classification: Uncertain significance for Cardiovascular phenotype. Last evaluated: 2023-12-14. Review status: criteria provided, single submitter. Criteria: Ambry Variant Classification Scheme 2023. Collection method: clinical testing. Allele origin: germline.
Comment: The c.1110G>A variant (also known as p.T370T), located in coding exon 6 of the SNTA1 gene, results from a G to A substitution at nucleotide position 1110. This nucleotide substitution does not change the threonine at codon 370. This nucleotide position is not well conserved in available vertebrate species. In silico splice site analysis predicts that this alteration will result in the creation or strengthening of a novel splice acceptor site. The evidence for this gene-disease relationship is limited; therefore, the clinical significance of this alteration is unclear.

NM_003098.3(SNTA1):c.1110G>A (p.Thr370=)

Gene: SNTA1 (syntrophin alpha 1; minus strand). Cytogenetic location: 20q11.21.
Variant type: single nucleotide variant.
Coding change: c.1110G>A on transcript NM_003098.3 (MANE Select); coding-DNA position 1110, G replaced by A.
Protein change: p.Thr370=; no amino-acid change (threonine 370 retained).
Molecular consequence: synonymous variant.
Genome position (GRCh38, 1-based): chr20:33,410,262, C>T on the plus strand (G>A on the coding strand, the complement: SNTA1 is on the minus strand). VCF-style: chr20-33410262-C-T. GRCh37 (hg19) VCF-style: chr20-31998068-C-T.
Other names: c.1110G>A, p.Thr370= (NM_001424413.1, NM_001424414.1).
Identifiers: ClinVar variation 3223106 (VCV003223106.3), dbSNP rs1056810203, ClinGen allele CA313252182.